The following is an entry in ClinVar:

NM_130384.3(ATRIP):c.427A>G (p.Lys143Glu)

Genes: ATRIP (ATR interacting protein; plus strand), ATRIP-TREX1 (ATRIP-TREX1 readthrough; plus strand). Cytogenetic location: 3p21.31.
Variant type: single nucleotide variant.
Coding change: c.427A>G on transcript NM_130384.3 (MANE Select); coding-DNA position 427, A replaced by G.
Protein change: p.Lys143Glu; replaces lysine 143 with glutamic acid.
Molecular consequence: missense variant. On other transcripts: non-coding transcript variant (1).
Genome position (GRCh38, 1-based): chr3:48,451,774, A>G. VCF-style: chr3-48451774-A-G. GRCh37 (hg19) VCF-style: chr3-48493180-A-G.
Other names: c.46A>G, p.Lys16Glu (NM_001271022.2); c.148A>G, p.Lys50Glu (NM_001271023.2); c.427A>G, p.Lys143Glu (NM_032166.4); short protein forms K143E, K50E, K16E.
Identifiers: ClinVar variation 3975743 (VCV003975743.1).

ClinVar aggregate classification (germline): Uncertain significance (1 of 4 stars; one submission).

Submission:

Ambry Genetics
Classification: Uncertain significance. Last evaluated: 2025-03-22. Review status: criteria provided, single submitter. Criteria: Ambry Variant Classification Scheme 2023. Collection method: clinical testing. Allele origin: germline.
Comment: The p.K143E variant (also known as c.427A>G), located in coding exon 3 of the ATRIP gene, results from an A to G substitution at nucleotide position 427. The lysine at codon 143 is replaced by glutamic acid, an amino acid with similar properties. This amino acid position is conserved. In addition, the in silico prediction for this alteration is inconclusive. Based on the available evidence, the clinical significance of this variant remains unclear.